The following is an entry in ClinVar:

NM_016938.5(EFEMP2):c.1207C>A (p.Arg403=)

Genes: MUS81 (MUS81 structure-specific endonuclease subunit; plus strand), EFEMP2 (EGF-like fibulin extracellular matrix protein 2; minus strand). Cytogenetic location: 11q13.1.
Variant type: single nucleotide variant.
Coding change: c.1207C>A on transcript NM_016938.5 (MANE Select); coding-DNA position 1207, C replaced by A.
Protein change: p.Arg403=; no amino-acid change (arginine 403 retained).
Molecular consequence: synonymous variant. On other transcripts: non-coding transcript variant (1).
Genome position (GRCh38, 1-based): chr11:65,867,043, G>T on the plus strand (C>A on the coding strand, the complement: EFEMP2 is on the minus strand). VCF-style: chr11-65867043-G-T. GRCh37 (hg19) VCF-style: chr11-65634514-G-T.
Identifiers: ClinVar variation 540026 (VCV000540026.12), dbSNP rs765684268, ClinGen allele CA6110371.

ClinVar aggregate classification (germline): Likely benign. Review status: criteria provided, multiple submitters, no conflicts (2 of 4 stars). 4 submissions from 4 submitters: Likely benign (3). 1 of the submissions does not count toward it. Last evaluated 2025-11-25.

Conditions:
Cutis laxa, autosomal recessive, type 1B (ARCL1B). Also called: CUTIS LAXA, AUTOSOMAL RECESSIVE, TYPE IB; EFEMP2-Related Cutis Laxa. Identifiers: Orphanet 90349, MedGen C3280798, MONDO:0013754, OMIM 614437. Disease mechanism: loss of function.
Cardiovascular phenotype. Identifiers: MedGen CN230736.
EFEMP2-related disorder. Also called: EFEMP2-related condition.

Allele frequency attached by ClinVar (database versions not stated): gnomAD 0.00001; TOPMed 0.00001.
gnomAD v4.1: 8 of 1,614,030 alleles (0.0005%); highest among the groups gnomAD compares: Admixed American, 0.013%; no homozygotes.

Submissions (4):

Labcorp Genetics (formerly Invitae), Labcorp
Classification: Likely benign for Cutis laxa, autosomal recessive, type 1B. Last evaluated: 2025-11-25. Review status: criteria provided, single submitter. Criteria: Invitae Variant Classification Sherloc (09022015). Collection method: clinical testing. Allele origin: germline.

Ambry Genetics
Classification: Likely benign for Cardiovascular phenotype. Last evaluated: 2023-01-13. Review status: criteria provided, single submitter. Criteria: Ambry Variant Classification Scheme 2023. Collection method: clinical testing. Allele origin: germline.

GeneDx
Classification: Likely benign. Last evaluated: 2018-05-02. Review status: criteria provided, single submitter. Criteria: GeneDx Variant Classification (06012015). Collection method: clinical testing. Allele origin: germline. Affected: yes.
Comment: This variant is considered likely benign or benign based on one or more of the following criteria: it is a conservative change, it occurs at a poorly conserved position in the protein, it is predicted to be benign by multiple in silico algorithms, and/or has population frequency not consistent with disease.

PreventionGenetics, part of Exact Sciences
Classification: Likely benign for EFEMP2-related condition. Last evaluated: 2024-09-18. Review status: no assertion criteria provided. Collection method: clinical testing. Allele origin: germline. Not counted in ClinVar's aggregate classification.
Comment: This variant is classified as likely benign based on ACMG/AMP sequence variant interpretation guidelines (Richards et al. 2015 PMID: 25741868, with internal and published modifications).